The following is an entry in ClinVar:

NM_007294.4(BRCA1):c.5137dup (p.Val1713fs)

Gene: BRCA1 (BRCA1 DNA repair associated; minus strand). Cytogenetic location: 17q21.31.
Variant type: Duplication.
Coding change: c.5137dup on transcript NM_007294.4 (MANE Select); coding-DNA position 5137, one base duplicated (G; older notation c.5137dupG).
Protein change: p.Val1713fs; shifts the reading frame from valine 1713.
Molecular consequence: frameshift variant. On other transcripts: non-coding transcript variant (1).
Genome position (GRCh38, 1-based): chr17:43,063,889, C duplicated on the plus strand (G on the coding strand, the reverse complement: BRCA1 is on the minus strand); the first of 3 consecutive C bases (chr17:43,063,889-43,063,891); duplicating any one gives the same sequence. VCF-style (leftmost placement, unchanged base first): chr17-43063888-A-AC. GRCh37 (hg19) VCF-style: chr17-41215905-A-AC.
Other names: c.5137dupG (NM_007294.3); c.4922dup, p.Val1642Glyfs (NM_001407571.1, NM_001407894.1, NM_001407895.1 and 12 more transcripts); c.5201dup, p.Val1735Glyfs (NM_001407581.1, NM_001407582.1); c.5198dup, p.Val1734Glyfs (NM_001407583.1, NM_001407585.1, NM_001407587.1); c.5195dup, p.Val1733Glyfs (NM_001407590.1, NM_001407591.1); c.5135dup, p.Val1713Glyfs (NM_001407593.1, NM_001407594.1, NM_001407596.1 and 7 more transcripts); c.5132dup, p.Val1712Glyfs (NM_001407610.1, NM_001407611.1, NM_001407612.1 and 17 more transcripts); c.5129dup, p.Val1711Glyfs (NM_001407627.1, NM_001407628.1, NM_001407629.1 and 14 more transcripts); and 75 more; short protein forms V1666fs, V1713fs, V609fs, V1734fs.
Identifiers: ClinVar variation 531327 (VCV000531327.11), dbSNP rs80357997, ClinGen allele CA658798070.

ClinVar aggregate classification (germline): Pathogenic. Review status: criteria provided, multiple submitters, no conflicts (2 of 4 stars). 3 submissions from 3 submitters: Pathogenic (3). Last evaluated 2023-07-10.

Conditions:
Hereditary cancer-predisposing syndrome. Also called: Tumor predisposition; Hereditary Cancer Syndrome; Hereditary neoplastic syndrome; Neoplastic Syndromes, Hereditary. Identifiers: Orphanet 140162, MedGen C0027672, MeSH D009386, MONDO:0015356.
Hereditary breast ovarian cancer syndrome. Also called: Breast and ovarian cancer; Hereditary breast and/or ovarian cancer syndrome; BRCA1- and BRCA2-Associated Hereditary Breast and Ovarian Cancer; Hereditary breast and ovarian cancer syndrome; Hereditary breast and ovarian cancer syndrome (HBOC); Hereditary breast and ovarian cancer. Identifiers: Orphanet 145, MedGen C0677776, MeSH D061325, MONDO:0003582. Disease mechanism: loss of function.
Breast-ovarian cancer, familial, susceptibility to, 1 (BROVCA1). Also called: BRCA1 Hereditary Breast and Ovarian Cancer; OVARIAN CANCER, SUSCEPTIBILITY TO. Identifiers: Orphanet 145, MedGen C2676676, MONDO:0011450, OMIM 604370. Disease mechanism: loss of function.

Allele frequency attached by ClinVar (database versions not stated): ExAC 0.00001; gnomAD exomes below 0.00001.

Submissions (3):

Ambry Genetics
Classification: Pathogenic for Hereditary cancer-predisposing syndrome. Last evaluated: 2023-07-10. Review status: criteria provided, single submitter. Criteria: Ambry Variant Classification Scheme 2023. Collection method: clinical testing. Allele origin: germline.
Comment: The c.5137dupG pathogenic mutation, located in coding exon 16 of the BRCA1 gene, results from a duplication of G at nucleotide position 5137, causing a translational frameshift with a predicted alternate stop codon (p.V1713Gfs*3). This variant is considered to be rare based on population cohorts in the Genome Aggregation Database (gnomAD). This alteration is expected to result in loss of function by premature protein truncation or nonsense-mediated mRNA decay. As such, this alteration is interpreted as a disease-causing mutation.

Myriad Genetics, Inc.
Classification: Pathogenic for Breast-ovarian cancer, familial, susceptibility to, 1. Last evaluated: 2023-05-26. Review status: criteria provided, single submitter. Criteria: Myriad Autosomal Dominant, Autosomal Recessive and X-Linked Classification Criteria (2023). Collection method: clinical testing. Allele origin: unknown.
Comment: This variant is considered pathogenic. This variant creates a frameshift predicted to result in premature protein truncation.

Labcorp Genetics (formerly Invitae), Labcorp
Classification: Pathogenic for Hereditary breast ovarian cancer syndrome. Last evaluated: 2022-07-07. Review status: criteria provided, single submitter. Criteria: Invitae Variant Classification Sherloc (09022015). Collection method: clinical testing. Allele origin: germline.
Comment: This variant has not been reported in the literature in individuals affected with BRCA1-related conditions. For these reasons, this variant has been classified as Pathogenic. ClinVar contains an entry for this variant (Variation ID: 531327). This variant is not present in population databases (gnomAD no frequency). This sequence change creates a premature translational stop signal (p.Val1713Glyfs*3) in the BRCA1 gene. It is expected to result in an absent or disrupted protein product. Loss-of-function variants in BRCA1 are known to be pathogenic (PMID: 20104584).

Literature cited by the submitters: PubMed 20104584 (cited by Labcorp Genetics (formerly Invitae), Labcorp).